The following is an entry in ClinVar:

ClinVar aggregate classification (germline): Uncertain significance. Review status: criteria provided, multiple submitters, no conflicts (2 of 4 stars). 3 submissions from 3 submitters: Uncertain significance (3). Last evaluated 2025-04-13.

Conditions:
Hereditary cancer-predisposing syndrome. Also called: Neoplastic Syndromes, Hereditary; Hereditary neoplastic syndrome; Tumor predisposition; Hereditary Cancer Syndrome. Identifiers: Orphanet 140162, MedGen C0027672, MeSH D009386, MONDO:0015356.
Ataxia-telangiectasia syndrome (AT). Also called: Ataxia-telangiectasia, complementation group D; AT, COMPLEMENTATION GROUP C; Ataxia telangiectasia (A-T); Cerebello-oculocutaneous telangiectasia; Immunodeficiency with ataxia telangiectasia; Ataxia-telangiectasia. Identifiers: Orphanet 100, MedGen C0004135, MONDO:0008840, OMIM 208900.

Allele frequency attached by ClinVar (database versions not stated): gnomAD exomes below 0.00001.
gnomAD v4.1: 1 of 1,614,046 alleles (0.000062%); highest among the groups gnomAD compares: East Asian, 0.0022%; no homozygotes.

Submissions (3):

Ambry Genetics
Classification: Uncertain significance for Hereditary cancer-predisposing syndrome. Last evaluated: 2025-04-13. Review status: criteria provided, single submitter. Criteria: Ambry Variant Classification Scheme 2023. Collection method: clinical testing. Allele origin: germline.
Comment: The p.T1885I variant (also known as c.5654C>T), located in coding exon 36 of the ATM gene, results from a C to T substitution at nucleotide position 5654. The threonine at codon 1885 is replaced by isoleucine, an amino acid with similar properties. This amino acid position is highly conserved in available vertebrate species. In addition, the in silico prediction for this alteration is inconclusive. Since supporting evidence is limited at this time, the clinical significance of this alteration remains unclear.

Labcorp Genetics (formerly Invitae), Labcorp
Classification: Uncertain significance for Ataxia-telangiectasia syndrome. Last evaluated: 2025-03-26. Review status: criteria provided, single submitter. Criteria: Invitae Variant Classification Sherloc (09022015). Collection method: clinical testing. Allele origin: germline.
Comment: This sequence change replaces threonine, which is neutral and polar, with isoleucine, which is neutral and non-polar, at codon 1885 of the ATM protein (p.Thr1885Ile). This variant is not present in population databases (gnomAD no frequency). This variant has not been reported in the literature in individuals affected with ATM-related conditions. ClinVar contains an entry for this variant (Variation ID: 841401). Invitae Evidence Modeling of protein sequence and biophysical properties (such as structural, functional, and spatial information, amino acid conservation, physicochemical variation, residue mobility, and thermodynamic stability) indicates that this missense variant is not expected to disrupt ATM protein function with a negative predictive value of 95%. In summary, the available evidence is currently insufficient to determine the role of this variant in disease. Therefore, it has been classified as a Variant of Uncertain Significance.

Color Diagnostics, LLC DBA Color Health
Classification: Uncertain significance for Hereditary cancer-predisposing syndrome. Last evaluated: 2024-03-06. Review status: criteria provided, single submitter. Criteria: ACMG Guidelines, 2015. Collection method: clinical testing. Allele origin: germline.
Comment: This missense variant replaces threonine with isoleucine at codon 1885 of the ATM protein. Computational prediction suggests that this variant may not impact protein structure and function (internally defined REVEL score threshold <= 0.5, PMID: 27666373). To our knowledge, functional studies have not been reported for this variant. This variant has not been reported in individuals affected with hereditary cancer in the literature. This variant has not been identified in the general population by the Genome Aggregation Database (gnomAD). The available evidence is insufficient to determine the role of this variant in disease conclusively. Therefore, this variant is classified as a Variant of Uncertain Significance.

NM_000051.4(ATM):c.5654C>T (p.Thr1885Ile)

Gene: ATM (ATM serine/threonine kinase; plus strand). Cytogenetic location: 11q22.3.
Variant type: single nucleotide variant.
Coding change: c.5654C>T on transcript NM_000051.4 (MANE Select); coding-DNA position 5654, C replaced by T.
Protein change: p.Thr1885Ile; replaces threonine 1885 with isoleucine.
Molecular consequence: missense variant.
Genome position (GRCh38, 1-based): chr11:108,304,832, C>T. VCF-style: chr11-108304832-C-T. GRCh37 (hg19) VCF-style: chr11-108175559-C-T.
Other names: c.5654C>T, p.Thr1885Ile (NM_001351834.2); short protein forms T1885I.
Identifiers: ClinVar variation 841401 (VCV000841401.15), dbSNP rs2083606342, ClinGen allele CA382546512.